The following is an entry in ClinVar:

NM_005732.4(RAD50):c.2758G>A (p.Glu920Lys)

Gene: RAD50 (RAD50 double strand break repair protein; plus strand). Cytogenetic location: 5q31.1.
Variant type: single nucleotide variant.
Coding change: c.2758G>A on transcript NM_005732.4 (MANE Select); coding-DNA position 2758, G replaced by A.
Protein change: p.Glu920Lys; replaces glutamic acid 920 with lysine.
Molecular consequence: missense variant.
Genome position (GRCh38, 1-based): chr5:132,608,654, G>A. VCF-style: chr5-132608654-G-A. GRCh37 (hg19) VCF-style: chr5-131944346-G-A.
Other names: short protein forms E920K.
Identifiers: ClinVar variation 2451416 (VCV002451416.2), dbSNP rs1751027840, ClinGen allele CA360958798.

ClinVar aggregate classification (germline): Uncertain significance (1 of 4 stars; one submission).

Conditions:
Hereditary cancer-predisposing syndrome. Also called: Neoplastic Syndromes, Hereditary; Tumor predisposition; Hereditary neoplastic syndrome; Hereditary Cancer Syndrome. Identifiers: Orphanet 140162, MedGen C0027672, MeSH D009386, MONDO:0015356.

Submission:

Ambry Genetics
Classification: Uncertain significance for Hereditary cancer-predisposing syndrome. Last evaluated: 2023-01-01. Review status: criteria provided, single submitter. Criteria: Ambry Variant Classification Scheme 2023. Collection method: clinical testing. Allele origin: germline.
Comment: The p.E920K variant (also known as c.2758G>A), located in coding exon 17 of the RAD50 gene, results from a G to A substitution at nucleotide position 2758. The glutamic acid at codon 920 is replaced by lysine, an amino acid with similar properties. This amino acid position is conserved. In addition, this alteration is predicted to be tolerated by in silico analysis. Since supporting evidence is limited at this time, the clinical significance of this alteration remains unclear.